The following is an entry in ClinVar:

NM_001291415.2(KDM6A):c.444G>A (p.Trp148Ter)

Gene: KDM6A (lysine demethylase 6A; plus strand). Cytogenetic location: Xp11.3.
Variant type: single nucleotide variant.
Coding change: c.444G>A on transcript NM_001291415.2 (MANE Select); coding-DNA position 444, G replaced by A.
Protein change: p.Trp148Ter; replaces tryptophan 148 with a stop codon.
Molecular consequence: nonsense. On other transcripts: non-coding transcript variant (1), intron variant (1).
Genome position (GRCh38, 1-based): chrX:45,020,610, G>A. VCF-style: chrX-45020610-G-A. GRCh37 (hg19) VCF-style: chrX-44879855-G-A.
Other names: c.444G>A, p.Trp148Ter (NM_001410742.1, NM_021140.4, NM_001291416.2 and 2 more transcripts); c.-190+9591G>A (NM_001291421.2); short protein forms W148*.
Identifiers: ClinVar variation 2097180 (VCV002097180.4), dbSNP rs2147664601, ClinGen allele CA413022722.

ClinVar aggregate classification (germline): Pathogenic (1 of 4 stars; one submission).

Conditions:
Kabuki syndrome 2 (KABUK2). Also called: KDM6A-Related Kabuki Syndrome. Identifiers: Orphanet 2322, MedGen C3275495, MONDO:0010465, OMIM 300867.

Submission:

Labcorp Genetics (formerly Invitae), Labcorp
Classification: Pathogenic for Kabuki syndrome 2. Last evaluated: 2022-02-12. Review status: criteria provided, single submitter. Criteria: Invitae Variant Classification Sherloc (09022015). Collection method: clinical testing. Allele origin: germline.
Comment: This variant has not been reported in the literature in individuals affected with KDM6A-related conditions. For these reasons, this variant has been classified as Pathogenic. This sequence change creates a premature translational stop signal (p.Trp148*) in the KDM6A gene. It is expected to result in an absent or disrupted protein product. Loss-of-function variants in KDM6A are known to be pathogenic (PMID: 23076834, 23913813). This variant is not present in population databases (gnomAD no frequency).

Literature cited by the submitters: PubMed 23076834; PubMed 23913813.